The following is an entry in ClinVar:

NM_015450.3(POT1):c.52A>G (p.Lys18Glu)

Gene: POT1 (protection of telomeres 1; minus strand). Cytogenetic location: 7q31.33.
Variant type: single nucleotide variant.
Coding change: c.52A>G on transcript NM_015450.3 (MANE Select); coding-DNA position 52, A replaced by G.
Protein change: p.Lys18Glu; replaces lysine 18 with glutamic acid.
Molecular consequence: missense variant. On other transcripts: 5 prime UTR variant (1), non-coding transcript variant (3).
Genome position (GRCh38, 1-based): chr7:124,892,338, T>C on the plus strand (A>G on the coding strand, the complement: POT1 is on the minus strand). VCF-style: chr7-124892338-T-C. GRCh37 (hg19) VCF-style: chr7-124532392-T-C.
Other names: c.-211A>G (NM_001042594.2); short protein forms K18E.
Identifiers: ClinVar variation 5027167 (VCV005027167.1).
Genomic context (GRCh38, chr7:124,892,338, plus strand): 5'-TTAGATATGGGGGCTTAAAGAACTTCACAACACCATAGACATTGACAATTGTACCACCCT[T>C]AAGTTGATTCAGGGGTGTATATATATAATTTGTTGCTGGAACCTAAAGAAAGAGAAGACA-3'
Protein context (NP_056265.2, residues 8-28): NYIYTPLNQL[Lys18Glu]GGTIVNVYGV

ClinVar aggregate classification (germline): Uncertain significance (1 of 4 stars; one submission).

Conditions:
Hereditary cancer-predisposing syndrome. Also called: Neoplastic Syndromes, Hereditary; Tumor predisposition; Hereditary neoplastic syndrome; Hereditary Cancer Syndrome. Identifiers: Orphanet 140162, MedGen C0027672, MeSH D009386, MONDO:0015356.

Submission:

Ambry Genetics
Classification: Uncertain significance for Hereditary cancer-predisposing syndrome. Last evaluated: 2026-09-07. Review status: criteria provided, single submitter. Criteria: Ambry Variant Classification Scheme 2023. Collection method: clinical testing. Allele origin: germline.
Comment: The p.K18E variant (also known as c.52A>G), located in coding exon 2 of the POT1 gene, results from an A to G substitution at nucleotide position 52. The lysine at codon 18 is replaced by glutamic acid, an amino acid with similar properties. This amino acid position is conserved. In addition, this alteration is predicted to be tolerated by in silico analysis. Based on the available evidence, the clinical significance of this variant remains unclear.